The following is an entry in ClinVar:

NM_016222.4(DDX41):c.1726A>G (p.Ile576Val)

Gene: DDX41 (DEAD-box helicase 41; minus strand). Cytogenetic location: 5q35.3.
Variant type: single nucleotide variant.
Coding change: c.1726A>G on transcript NM_016222.4 (MANE Select); coding-DNA position 1726, A replaced by G.
Protein change: p.Ile576Val; replaces isoleucine 576 with valine.
Molecular consequence: missense variant.
Genome position (GRCh38, 1-based): chr5:177,512,102, T>C on the plus strand (A>G on the coding strand, the complement: DDX41 is on the minus strand). VCF-style: chr5-177512102-T-C. GRCh37 (hg19) VCF-style: chr5-176939103-T-C.
Other names: c.1348A>G, p.Ile450Val (NM_001321732.2, NM_001321830.2); short protein forms I450V, I576V.
Identifiers: ClinVar variation 3371728 (VCV003371728.2).

ClinVar aggregate classification (germline): Uncertain significance. Review status: criteria provided, multiple submitters, no conflicts (2 of 4 stars). 2 submissions from 2 submitters: Uncertain significance (2). Last evaluated 2025-07-24.

Conditions:
Inborn genetic diseases. Identifiers: MedGen C0950123, MeSH D030342.

gnomAD v4.1: 9 of 1,613,030 alleles (0.00056%); highest among the groups gnomAD compares: Non-Finnish European, 0.00076%; no homozygotes.

Submissions (2):

Ambry Genetics
Classification: Uncertain significance for Inborn genetic diseases. Last evaluated: 2025-07-24. Review status: criteria provided, single submitter. Criteria: Ambry Variant Classification Scheme 2023. Collection method: clinical testing. Allele origin: germline.
Comment: The p.I576V variant (also known as c.1726A>G), located in coding exon 16 of the DDX41 gene, results from an A to G substitution at nucleotide position 1726. The isoleucine at codon 576 is replaced by valine, an amino acid with highly similar properties. This amino acid position is well conserved in available vertebrate species. In addition, this alteration is predicted to be tolerated by in silico analysis. Based on the available evidence, the clinical significance of this variant remains unclear.

GeneDx
Classification: Uncertain significance. Last evaluated: 2024-04-01. Review status: criteria provided, single submitter. Criteria: GeneDx Variant Classification Process June 2021. Collection method: clinical testing. Allele origin: germline. Affected: yes.
Comment: Not observed at significant frequency in large population cohorts (gnomAD); In silico analysis supports that this missense variant does not alter protein structure/function; Has not been previously published as pathogenic or benign to our knowledge